The following is an entry in ClinVar:

ClinVar aggregate classification (germline): Uncertain significance (1 of 4 stars; one submission).

Submission:

Labcorp Genetics (formerly Invitae), Labcorp
Classification: Uncertain significance. Last evaluated: 2022-02-22. Review status: criteria provided, single submitter. Criteria: Invitae Variant Classification Sherloc (09022015). Collection method: clinical testing. Allele origin: germline.
Comment: This sequence change replaces serine, which is neutral and polar, with threonine, which is neutral and polar, at codon 1114 of the TUBGCP6 protein (p.Ser1114Thr). This variant is not present in population databases (gnomAD no frequency). This variant has not been reported in the literature in individuals affected with TUBGCP6-related conditions. Algorithms developed to predict the effect of missense changes on protein structure and function are either unavailable or do not agree on the potential impact of this missense change (SIFT: "Tolerated"; PolyPhen-2: "Possibly Damaging"; Align-GVGD: "Class C0"). In summary, the available evidence is currently insufficient to determine the role of this variant in disease. Therefore, it has been classified as a Variant of Uncertain Significance.

NM_020461.4(TUBGCP6):c.3341G>C (p.Ser1114Thr)

Gene: TUBGCP6 (tubulin gamma complex component 6; minus strand). Cytogenetic location: 22q13.33.
Variant type: single nucleotide variant.
Coding change: c.3341G>C on transcript NM_020461.4 (MANE Select); coding-DNA position 3341, G replaced by C.
Protein change: p.Ser1114Thr; replaces serine 1114 with threonine.
Molecular consequence: missense variant.
Genome position (GRCh38, 1-based): chr22:50,221,018, C>G on the plus strand (G>C on the coding strand, the complement: TUBGCP6 is on the minus strand). VCF-style: chr22-50221018-C-G. GRCh37 (hg19) VCF-style: chr22-50659447-C-G.
Other names: short protein forms S1114T.
Identifiers: ClinVar variation 2101940 (VCV002101940.4), dbSNP rs2519135744, ClinGen allele CA412183328.
Genomic context (GRCh38, chr22:50,221,018, plus strand): 5'-TGGGTATTCCACCGTGGCCTGGTGGGAGCCACATCTGACACATTCTCCCCGACCCTGATG[C>G]TGGCGTTGGACACATGTCCATGGATGTTCCACCGTGGCCGAGTGGGAGCCACATCTGACA-3'
Protein context (NP_065194.3, residues 1104-1124): WNIHGHVSNA[Ser1114Thr]IRVGENVSDV